The following is an entry in ClinVar:

NM_000152.5(GAA):c.858+8_858+10delinsAGCGGGCGGT

Gene: GAA (alpha glucosidase; plus strand). Cytogenetic location: 17q25.3.
Variant type: Indel.
Coding change: c.858+8_858+10delinsAGCGGGCGGT on transcript NM_000152.5 (MANE Select); bases 8 to 10 of the intron after coding-DNA position 858, GGC replaced by AGCGGGCGGT.
Molecular consequence: intron variant.
Genome position (GRCh38, 1-based): chr17:80,107,730-80,107,732, GGC replaced by AGCGGGCGGT. VCF-style: chr17-80107730-GGC-AGCGGGCGGT. GRCh37 (hg19) VCF-style: chr17-78081529-GGC-AGCGGGCGGT.
Other names: c.858+8_858+10delGGCinsAGCGGGCGGT (LRG_673t1); c.858+8_858+10delinsAGCGGGCGGT (NM_001079803.3, NM_001079804.3).
Identifiers: ClinVar variation 511794 (VCV000511794.2), dbSNP rs1555599729, ClinGen allele CA658798977.
Genomic context (GRCh38, chr17:80,107,730, plus strand): 5'-TCAGCACCAGCTGGACCAGGATCACCCTGTGGAACCGGGACCTTGCGCCCACGGTACAGC[GGC>AGCGGGCGGT]GGGCGGCGGGCGGGGGCACTGAGCTGGGGAGCGCAGGTGCTGAAGCGCCGTCTCCTGCAT-3'

ClinVar aggregate classification (germline): Likely benign. Review status: criteria provided, multiple submitters, no conflicts (2 of 4 stars). 2 submissions from 2 submitters: Likely benign (2). Last evaluated 2021-08-17.

Conditions:
Glycogen storage disease, type II (IOPD). Also called: CARDIOMEGALIA GLYCOGENICA DIFFUSA; ACID ALPHA-GLUCOSIDASE DEFICIENCY, INFANTILE-ONSET; GAA DEFICIENCY, INFANTILE-ONSET; ACID MALTASE DEFICIENCY, INFANTILE-ONSET; Glucosidase acid-1,4-alpha deficiency; Pompe Disease. Identifiers: Orphanet 365, MedGen C0017921, MONDO:0009290, OMIM 232300.

Submissions (2):

Fulgent Genetics
Classification: Likely benign for Glycogen storage disease, type II. Last evaluated: 2021-08-17. Review status: criteria provided, single submitter. Criteria: ACMG Guidelines, 2015. Collection method: clinical testing. Allele origin: unknown.

GeneDx
Classification: Likely benign. Last evaluated: 2017-08-25. Review status: criteria provided, single submitter. Criteria: GeneDx Variant Classification (06012015). Collection method: clinical testing. Allele origin: germline. Affected: yes.
Comment: This variant is considered likely benign or benign based on one or more of the following criteria: it is a conservative change, it occurs at a poorly conserved position in the protein, it is predicted to be benign by multiple in silico algorithms, and/or has population frequency not consistent with disease.